The following is an entry in ClinVar:

NM_001042492.3(NF1):c.4397_4423del (p.Asp1466_Ala1474del)

Gene: NF1 (neurofibromin 1; plus strand). Cytogenetic location: 17q11.2.
Variant type: Deletion.
Coding change: c.4397_4423del on transcript NM_001042492.3 (MANE Select); coding-DNA positions 4397 to 4423, 27 bases deleted (ATTTTGTGAAAAGCAACTTTGATGCAG).
Protein change: p.Asp1466_Ala1474del.
Molecular consequence: inframe deletion. On other transcripts: inframe indel (1).
Genome position (GRCh38, 1-based): chr17:31,259,096-31,259,122, ATTTTGTGAAAAGCAACTTTGATGCAG deleted; deleting any 27 consecutive bases within chr17:31,259,095-31,259,122 gives the same sequence; the c. name uses the placement nearest the transcript's 3' end. VCF-style (leftmost placement, unchanged base first): chr17-31259094-TGATTTTGTGAAAAGCAACTTTGATGCA-T. GRCh37 (hg19) VCF-style: chr17-29586112-TGATTTTGTGAAAAGCAACTTTGATGCA-T.
Other names: c.4334_4360del27, p.Asp1445_Ala1453del (NM_000267.4).
Identifiers: ClinVar variation 1490567 (VCV001490567.6), dbSNP rs2151463132, ClinGen allele CA2573153628.

ClinVar aggregate classification (germline): Likely pathogenic (1 of 4 stars; one submission).

Conditions:
Neurofibromatosis, type 1 (NF1). Also called: NEUROFIBROMATOSIS, TYPE I, SOMATIC; Neurofibromatosis, type I; VON RECKLINGHAUSEN DISEASE; Peripheral type neurofibromatosis. Identifiers: Orphanet 636, MedGen C0027831, MONDO:0018975, OMIM 162200. Disease mechanism: loss of function.

Submission:

Labcorp Genetics (formerly Invitae), Labcorp
Classification: Likely pathogenic for Neurofibromatosis, type 1. Last evaluated: 2022-08-12. Review status: criteria provided, single submitter. Criteria: Invitae Variant Classification Sherloc (09022015). Collection method: clinical testing. Allele origin: germline.
Comment: In summary, the currently available evidence indicates that the variant is pathogenic, but additional data are needed to prove that conclusively. Therefore, this variant has been classified as Likely Pathogenic. Experimental studies and prediction algorithms are not available or were not evaluated, and the functional significance of this variant is currently unknown. ClinVar contains an entry for this variant (Variation ID: 1490567). This variant has been observed in individual(s) with NF1-related conditions (Invitae). In at least one individual the variant was observed to be de novo. This variant is not present in population databases (gnomAD no frequency). This variant, c.4334_4360del, results in the deletion of 9 amino acid(s) of the NF1 protein (p.Asp1445_Ala1453del), but otherwise preserves the integrity of the reading frame.